The following is an entry in ClinVar:

ClinVar aggregate classification (germline): Uncertain significance (1 of 4 stars; one submission).

Submission:

Dasa
Classification: Uncertain significance. Last evaluated: 2026-03-23. Review status: criteria provided, single submitter. Criteria: DASA Assertion Criteria. Collection method: clinical testing. Allele origin: germline.
Comment: NM_033004.4(NLRP1):c.4120G>A (p.Asp1374Asn) is a missense variant that results in the substitution of aspartic acid with asparagine. This variant is rare in population databases. Computational prediction algorithms are consistent with a benign effect. The currently available literature and clinical evidence are not sufficient to establish a definitive association between this variant and the reported condition. Therefore, this variant is classified as a variant of uncertain significance.

NM_033004.4(NLRP1):c.4120G>A (p.Asp1374Asn)

Gene: NLRP1 (NLR family pyrin domain containing 1; minus strand). Cytogenetic location: 17p13.2.
Variant type: single nucleotide variant.
Coding change: c.4120G>A on transcript NM_033004.4 (MANE Select); coding-DNA position 4120, G replaced by A.
Protein change: p.Asp1374Asn; replaces aspartic acid 1374 with asparagine.
Molecular consequence: missense variant. On other transcripts: intron variant (1).
Genome position (GRCh38, 1-based): chr17:5,515,056, C>T on the plus strand (G>A on the coding strand, the complement: NLRP1 is on the minus strand). VCF-style: chr17-5515056-C-T. GRCh37 (hg19) VCF-style: chr17-5418376-C-T.
Other names: c.3988G>A, p.Asp1330Asn (NM_014922.5); c.4030G>A, p.Asp1344Asn (NM_033006.4); c.3898G>A, p.Asp1300Asn (NM_033007.4); c.4069+2690G>A (NM_001033053.3); short protein forms D1300N, D1330N, D1344N, D1374N.
Identifiers: ClinVar variation 4883395 (VCV004883395.2).